The following is an entry in ClinVar:

NM_001197104.2(KMT2A):c.11610G>C (p.Gln3870His)

Genes: KMT2A (lysine methyltransferase 2A; plus strand), TTC36-AS1 (TTC36 and KMT2A antisense RNA 1; minus strand). Cytogenetic location: 11q23.3.
Variant type: single nucleotide variant.
Coding change: c.11610G>C on transcript NM_001197104.2 (MANE Select); coding-DNA position 11610, G replaced by C.
Protein change: p.Gln3870His; replaces glutamine 3870 with histidine.
Molecular consequence: missense variant.
Genome position (GRCh38, 1-based): chr11:118,521,384, G>C. VCF-style: chr11-118521384-G-C. GRCh37 (hg19) VCF-style: chr11-118392099-G-C.
Other names: c.11601G>C, p.Gln3867His (NM_005933.4); short protein forms Q3870H, Q3867H.
Identifiers: ClinVar variation 1347200 (VCV001347200.6), dbSNP rs2135294593, ClinGen allele CA382835766.
Genomic context (GRCh38, chr11:118,521,384, plus strand): 5'-AAACATTGATGCAGGTGAGATGGTGATTGAGTATGCCGGCAACGTCATCCGCTCCATCCA[G>C]ACTGACAAGCGGGAAAAGTATTACGACAGCAAGGTAAGTCTCCCACTTGCACTCACACAG-3'
Protein context (NP_001184033.1, residues 3860-3880): EYAGNVIRSI[Gln3870His]TDKREKYYDS

ClinVar aggregate classification (germline): Uncertain significance (1 of 4 stars; one submission).

Submission:

Labcorp Genetics (formerly Invitae), Labcorp
Classification: Uncertain significance. Last evaluated: 2023-07-10. Review status: criteria provided, single submitter. Criteria: Invitae Variant Classification Sherloc (09022015). Collection method: clinical testing. Allele origin: germline.
Comment: In summary, the available evidence is currently insufficient to determine the role of this variant in disease. Therefore, it has been classified as a Variant of Uncertain Significance. Advanced modeling of protein sequence and biophysical properties (such as structural, functional, and spatial information, amino acid conservation, physicochemical variation, residue mobility, and thermodynamic stability) performed at Invitae indicates that this missense variant is not expected to disrupt KMT2A protein function. ClinVar contains an entry for this variant (Variation ID: 1347200). This variant has not been reported in the literature in individuals affected with KMT2A-related conditions. This variant is not present in population databases (gnomAD no frequency). This sequence change replaces glutamine, which is neutral and polar, with histidine, which is basic and polar, at codon 3870 of the KMT2A protein (p.Gln3870His).